The following is an entry in ClinVar:

ClinVar aggregate classification (germline): Uncertain significance (1 of 4 stars; one submission).

Conditions:
Hereditary cancer-predisposing syndrome. Also called: Hereditary Cancer Syndrome; Hereditary neoplastic syndrome; Neoplastic Syndromes, Hereditary; Tumor predisposition. Identifiers: Orphanet 140162, MedGen C0027672, MeSH D009386, MONDO:0015356.

Submission:

Ambry Genetics
Classification: Uncertain significance for Hereditary cancer-predisposing syndrome. Last evaluated: 2021-12-10. Review status: criteria provided, single submitter. Criteria: Ambry Variant Classification Scheme 2023. Collection method: clinical testing. Allele origin: germline.
Comment: The p.T506N variant (also known as c.1517C>A), located in coding exon 10 of the CTNNA1 gene, results from a C to A substitution at nucleotide position 1517. The threonine at codon 506 is replaced by asparagine, an amino acid with similar properties. This amino acid position is conserved. In addition, this alteration is predicted to be tolerated by in silico analysis. Since supporting evidence is limited at this time, the clinical significance of this alteration remains unclear.

NM_001903.5(CTNNA1):c.1517C>A (p.Thr506Asn)

Gene: CTNNA1 (catenin alpha 1; plus strand). Cytogenetic location: 5q31.2.
Variant type: single nucleotide variant.
Coding change: c.1517C>A on transcript NM_001903.5 (MANE Select); coding-DNA position 1517, C replaced by A.
Protein change: p.Thr506Asn; replaces threonine 506 with asparagine.
Molecular consequence: missense variant.
Genome position (GRCh38, 1-based): chr5:138,917,869, C>A. VCF-style: chr5-138917869-C-A. GRCh37 (hg19) VCF-style: chr5-138253558-C-A.
Other names: c.1517C>A, p.Thr506Asn (NM_001290307.3, NM_001323982.2, NM_001323983.1 and 2 more transcripts); c.1208C>A, p.Thr403Asn (NM_001290309.3); c.1148C>A, p.Thr383Asn (NM_001290310.3); c.407C>A, p.Thr136Asn (NM_001290312.1, NM_001323987.1, NM_001323988.1 and 17 more transcripts); c.1424C>A, p.Thr475Asn (NM_001323986.2); c.68C>A, p.Thr23Asn (NM_001324006.1, NM_001324007.1, NM_001324008.1 and 2 more transcripts); c.314C>A, p.Thr105Asn (NM_001324011.1); c.164C>A, p.Thr55Asn (NM_001324012.1, NM_001324013.1); short protein forms T105N, T475N, T23N, T383N, T506N, T136N, T403N, T55N.
Identifiers: ClinVar variation 1774332 (VCV001774332.2), dbSNP rs2150234734, ClinGen allele CA361137366.